The following is an entry in ClinVar:

ClinVar aggregate classification (germline): Uncertain significance. Review status: criteria provided, multiple submitters, no conflicts (2 of 4 stars). 2 submissions from 2 submitters: Uncertain significance (2). Last evaluated 2024-04-11.

Conditions:
Hereditary spastic paraplegia 73. Also called: Spastic paraplegia 73, autosomal dominant. Identifiers: Orphanet 444099, MedGen C5568981, MONDO:0014568, OMIM 616282.

Allele frequency attached by ClinVar (database versions not stated): gnomAD 0.00001; TOPMed 0.00001; ExAC 0.00002; gnomAD exomes 0.00002.
gnomAD v4.1: 22 of 1,612,086 alleles (0.0014%); highest among the groups gnomAD compares: Non-Finnish European, 0.0018%; no homozygotes.

Submissions (2):

Labcorp Genetics (formerly Invitae), Labcorp
Classification: Uncertain significance for Hereditary spastic paraplegia 73. Last evaluated: 2024-04-11. Review status: criteria provided, single submitter. Criteria: Invitae Variant Classification Sherloc (09022015). Collection method: clinical testing. Allele origin: germline.
Comment: This sequence change replaces alanine, which is neutral and non-polar, with threonine, which is neutral and polar, at codon 203 of the CPT1C protein (p.Ala203Thr). The frequency data for this variant in the population databases is considered unreliable, as metrics indicate poor data quality at this position in the gnomAD database. This variant has not been reported in the literature in individuals affected with CPT1C-related conditions. Advanced modeling of protein sequence and biophysical properties (such as structural, functional, and spatial information, amino acid conservation, physicochemical variation, residue mobility, and thermodynamic stability) performed at Invitae indicates that this missense variant is not expected to disrupt CPT1C protein function with a negative predictive value of 80%. In summary, the available evidence is currently insufficient to determine the role of this variant in disease. Therefore, it has been classified as a Variant of Uncertain Significance.

Ambry Genetics
Classification: Uncertain significance. Last evaluated: 2024-02-26. Review status: criteria provided, single submitter. Criteria: Ambry Variant Classification Scheme 2023. Collection method: clinical testing. Allele origin: germline.

NM_001199753.2(CPT1C):c.607G>A (p.Ala203Thr)

Gene: CPT1C (carnitine palmitoyltransferase 1C; plus strand). Cytogenetic location: 19q13.33.
Variant type: single nucleotide variant.
Coding change: c.607G>A on transcript NM_001199753.2 (MANE Select); coding-DNA position 607, G replaced by A.
Protein change: p.Ala203Thr; replaces alanine 203 with threonine.
Molecular consequence: missense variant. On other transcripts: non-coding transcript variant (1).
Genome position (GRCh38, 1-based): chr19:49,701,548, G>A. VCF-style: chr19-49701548-G-A. GRCh37 (hg19) VCF-style: chr19-50204805-G-A.
Other names: c.607G>A, p.Ala203Thr (NM_001136052.3, NM_001199752.3, NM_001378482.1 and 7 more transcripts); short protein forms A203T.
Identifiers: ClinVar variation 3076940 (VCV003076940.3), dbSNP rs763689758, ClinGen allele CA9581876.